The following is an entry in ClinVar:

Conditions:
Long QT syndrome 5 (LQT5). Identifiers: Orphanet 101016, Orphanet 768, MedGen C1867904, MONDO:0013372, OMIM 613695.

Submission:

Roden Lab, Vanderbilt University Medical Center
No classification provided (evidence only). Condition: Long QT syndrome 5. Review status: no classification provided. Collection method: in vitro. Allele origin: not applicable. Functional consequence: Effect on ion channel function.
ClinVar note: "not provided" was previously submitted as the classification for the variant. However, the classification appeared to be based only on an observation of functional data so it was converted to no classification on 2025-07-30.

NM_000219.6(KCNE1):c.261G>A (p.Trp87Ter)

Gene: KCNE1 (potassium voltage-gated channel subfamily E regulatory subunit 1; minus strand). Cytogenetic location: 21q22.12.
Variant type: single nucleotide variant.
Coding change: c.261G>A on transcript NM_000219.6 (MANE Select); coding-DNA position 261, G replaced by A.
Protein change: p.Trp87Ter; replaces tryptophan 87 with a stop codon.
Molecular consequence: nonsense.
Genome position (GRCh38, 1-based): chr21:34,449,374, C>T on the plus strand (G>A on the coding strand, the complement: KCNE1 is on the minus strand). VCF-style: chr21-34449374-C-T. GRCh37 (hg19) VCF-style: chr21-35821672-C-T.
Other names: c.261G>A, p.Trp87Ter (NM_001127668.4, NM_001127669.4, NM_001127670.4 and 4 more transcripts); short protein forms W87*.
Identifiers: ClinVar variation 3374468 (VCV003374468.2).
Genomic context (GRCh38, chr21:34,449,374, plus strand): 5'-ATAGCACGACCTGTAGCTCTCCAGGACCCGGGCCTGGACATAGGCCTTGTCCTTCTCTTG[C>T]CAGGCATCGGACTCGATGTAGACGTTGAATGGGTCGTTCGAGTGCTCCAGCTTCTTGGAG-3'